The following is an entry in ClinVar:

NM_178859.4(SLC51B):c.57_65del (p.Leu20_Glu22del)

Genes: RASL12 (RAS like family 12; minus strand), SLC51B (SLC51 subunit beta; plus strand). Cytogenetic location: 15q22.31.
Variant type: Deletion.
Coding change: c.57_65del on transcript NM_178859.4 (MANE Select); coding-DNA positions 57 to 65, 9 bases deleted (GCTGCTGGA; older notation c.57_65delGCTGCTGGA).
Protein change: p.Leu20_Glu22del.
Molecular consequence: inframe deletion.
Genome position (GRCh38, 1-based): chr15:65,050,061-65,050,069, GCTGCTGGA deleted; deleting any 9 consecutive bases within chr15:65,050,058-65,050,069 gives the same sequence; the c. name uses the placement nearest the transcript's 3' end. VCF-style (leftmost placement, unchanged base first): chr15-65050057-AGGAGCTGCT-A. GRCh37 (hg19) VCF-style: chr15-65342395-AGGAGCTGCT-A.
Identifiers: ClinVar variation 2875085 (VCV002875085.3), dbSNP rs2506183114, ClinGen allele CA2575758894.

ClinVar aggregate classification (germline): Uncertain significance (1 of 4 stars; one submission).

Submission:

Labcorp Genetics (formerly Invitae), Labcorp
Classification: Uncertain significance. Last evaluated: 2023-05-16. Review status: criteria provided, single submitter. Criteria: Invitae Variant Classification Sherloc (09022015). Collection method: clinical testing. Allele origin: germline.
Comment: This variant has not been reported in the literature in individuals affected with SLC51B-related conditions. This variant is not present in population databases (gnomAD no frequency). This variant, c.57_65del, results in the deletion of 3 amino acid(s) of the SLC51B protein (p.Leu20_Glu22del), but otherwise preserves the integrity of the reading frame. In summary, the available evidence is currently insufficient to determine the role of this variant in disease. Therefore, it has been classified as a Variant of Uncertain Significance. Experimental studies and prediction algorithms are not available or were not evaluated, and the functional significance of this variant is currently unknown.